The following is an entry in ClinVar:

ClinVar aggregate classification (germline): Conflicting classifications of pathogenicity. Review status: criteria provided, conflicting classifications (1 of 4 stars). 3 submissions from 3 submitters: Uncertain significance (1); Likely benign (1). 1 of the submissions does not count toward it. Last evaluated 2026-03-16.

Conditions:
Congenital anomaly of kidney and urinary tract. Also called: Congenital anomalies of the kidney and urinary tract; Congenital anomalies of kidney and urinary tract. Identifiers: Orphanet 93545, MedGen C1968949, MeSH C566906, MONDO:0019719.

Allele frequency attached by ClinVar (database versions not stated): gnomAD 0.00001 and 0.00007; TOPMed 0.00001; gnomAD exomes 0.00007 and 0.00014; ExAC 0.00018; 1000 Genomes Project 0.00020; 1000 Genomes Project 30x 0.00031.
gnomAD v4.1: 114 of 1,524,566 alleles (0.0075%); highest among the groups gnomAD compares: South Asian, 0.14%; 2 homozygotes.

Submissions (3):

Women's Health and Genetics/Laboratory Corporation of America, LabCorp
Classification: Uncertain significance. Last evaluated: 2026-03-16. Review status: criteria provided, single submitter. Criteria: LabCorp Variant Classification Summary - May 2015. Collection method: clinical testing. Allele origin: germline.
Comment: Variant summary: FRAS1 c.8131T>C (p.Tyr2711His) results in a conservative amino acid change located in the Na-Ca exchanger/integrin-beta4 domain (IPR003644) of the encoded protein sequence. Algorithms developed to predict the effect of missense changes on protein structure and function are either unavailable or do not agree on the potential impact of this missense change. The variant allele was found at a frequency of 0.00014 in 193738 control chromosomes in the gnomAD database, including 1 homozygotes. This frequency is not significantly higher than estimated for a pathogenic variant in FRAS1 causing Cryptophthalmos Syndrome (0.00014 vs 0.0018), allowing no conclusion about variant significance. c.8131T>C has been reported in the literature along with another FRAS1 variant (phase not specified) in at-least one individual affected with features of Congenital anomalies of the kidney and urinary tract (CAKUT) (example, van der Ven_2018). These data do not allow any conclusion about variant significance. To our knowledge, no experimental evidence demonstrating an impact on protein function has been reported. The following publication has been ascertained in the context of this evaluation (PMID: 30143558). ClinVar contains an entry for this variant (Variation ID: 1344615). Based on the evidence outlined above, the variant was classified as uncertain significance.

Labcorp Genetics (formerly Invitae), Labcorp
Classification: Likely benign. Last evaluated: 2025-12-21. Review status: criteria provided, single submitter. Criteria: Invitae Variant Classification Sherloc (09022015). Collection method: clinical testing. Allele origin: germline.

Yale Center for Mendelian Genomics, Yale University
Classification: Likely pathogenic for Congenital anomaly of kidney and urinary tract. Last evaluated: 2018-08-24. Review status: no assertion criteria provided. Collection method: literature only. Allele origin: germline. Affected: yes. Observed: 1 compound heterozygote. Study: Yale Center for Mendelian Genomics. Not counted in ClinVar's aggregate classification.

Literature cited by the submitters: PubMed 30143558 (cited by Women's Health and Genetics/Laboratory Corporation of America, LabCorp and Yale Center for Mendelian Genomics, Yale University).

NM_025074.7(FRAS1):c.8131T>C (p.Tyr2711His)

Gene: FRAS1 (Fraser extracellular matrix complex subunit 1; plus strand). Cytogenetic location: 4q21.21.
Variant type: single nucleotide variant.
Coding change: c.8131T>C on transcript NM_025074.7 (MANE Select); coding-DNA position 8131, T replaced by C.
Protein change: p.Tyr2711His; replaces tyrosine 2711 with histidine.
Molecular consequence: missense variant.
Genome position (GRCh38, 1-based): chr4:78,479,406, T>C. VCF-style: chr4-78479406-T-C. GRCh37 (hg19) VCF-style: chr4-79400560-T-C.
Other names: short protein forms Y2711H.
Identifiers: ClinVar variation 1344615 (VCV001344615.7), dbSNP rs541053205, ClinGen allele CA2978293.